The following is an entry in ClinVar:

NM_000053.4(ATP7B):c.51+15C>G

Gene: ATP7B (ATPase copper transporting beta; minus strand). Cytogenetic location: 13q14.3.
Variant type: single nucleotide variant.
Coding change: c.51+15C>G on transcript NM_000053.4 (MANE Select); 15 bases into the intron after coding-DNA position 51, C replaced by G.
Molecular consequence: intron variant.
Genome position (GRCh38, 1-based): chr13:52,011,272, G>C on the plus strand (C>G on the coding strand, the complement: ATP7B is on the minus strand). VCF-style: chr13-52011272-G-C. GRCh37 (hg19) VCF-style: chr13-52585408-G-C.
Other names: c.51+15C>G (NM_001243182.2, NM_001005918.3, NM_001330579.2 and 1 more transcripts).
Identifiers: ClinVar variation 509280 (VCV000509280.2), dbSNP rs781757171, ClinGen allele CA6989703.

ClinVar aggregate classification (germline): Likely benign. Review status: criteria provided, multiple submitters, no conflicts (2 of 4 stars). 2 submissions from 2 submitters: Likely benign (2). Last evaluated 2025-03-16.

Conditions:
Wilson disease (WND). Also called: Wilson's disease. Identifiers: Orphanet 905, MedGen C0019202, MONDO:0010200, OMIM 277900. Disease mechanism: loss of function.

Allele frequency attached by ClinVar (database versions not stated): TOPMed 0.00001.
gnomAD v4.1: 1 of 1,614,196 alleles (0.000062%); highest among the groups gnomAD compares: East Asian, 0.0022%; no homozygotes.

Submissions (2):

Labcorp Genetics (formerly Invitae), Labcorp
Classification: Likely benign for Wilson disease. Last evaluated: 2025-03-16. Review status: criteria provided, single submitter. Criteria: Invitae Variant Classification Sherloc (09022015). Collection method: clinical testing. Allele origin: germline.

GeneDx
Classification: Likely benign. Last evaluated: 2017-05-12. Review status: criteria provided, single submitter. Criteria: GeneDx Variant Classification (06012015). Collection method: clinical testing. Allele origin: germline. Affected: yes.
Comment: This variant is considered likely benign or benign based on one or more of the following criteria: it is a conservative change, it occurs at a poorly conserved position in the protein, it is predicted to be benign by multiple in silico algorithms, and/or has population frequency not consistent with disease.